The following is an entry in ClinVar:

ClinVar aggregate classification (germline): Benign (1 of 4 stars; one submission).

Submission:

GeneDx
Classification: Benign. Last evaluated: 2018-06-14. Review status: criteria provided, single submitter. Criteria: GeneDx Variant Classification (06012015). Collection method: clinical testing. Allele origin: germline. Affected: yes.
Comment: This variant is considered likely benign or benign based on one or more of the following criteria: it is a conservative change, it occurs at a poorly conserved position in the protein, it is predicted to be benign by multiple in silico algorithms, and/or has population frequency not consistent with disease.

NM_001358921.2(COQ2):c.542+320_542+321insTATG

Gene: COQ2 (coenzyme Q2, polyprenyltransferase; minus strand). Cytogenetic location: 4q21.23.
Variant type: Insertion.
Coding change: c.542+320_542+321insTATG on transcript NM_001358921.2 (MANE Select); bases 320 to 321 of the intron after coding-DNA position 542, TATG inserted.
Molecular consequence: intron variant.
Genome position: GRCh38 VCF-style: chr4-83273175-T-TATAC. GRCh37 (hg19) VCF-style: chr4-84194328-T-TATAC.
Other names: c.692+320_692+321insTATG (NM_015697.9).
Identifiers: ClinVar variation 683548 (VCV000683548.1), dbSNP rs10646890, ClinGen allele CA100653192.